The following is an entry in ClinVar:

NM_025137.4(SPG11):c.1286G>A (p.Cys429Tyr)

Gene: SPG11 (SPG11 vesicle trafficking associated, spatacsin; minus strand). Cytogenetic location: 15q21.1.
Variant type: single nucleotide variant.
Coding change: c.1286G>A on transcript NM_025137.4 (MANE Select); coding-DNA position 1286, G replaced by A.
Protein change: p.Cys429Tyr; replaces cysteine 429 with tyrosine.
Molecular consequence: missense variant.
Genome position (GRCh38, 1-based): chr15:44,651,661, C>T on the plus strand (G>A on the coding strand, the complement: SPG11 is on the minus strand). VCF-style: chr15-44651661-C-T. GRCh37 (hg19) VCF-style: chr15-44943859-C-T.
Other names: c.1286G>A, p.Cys429Tyr (NM_001160227.2); short protein forms C429Y.
Identifiers: ClinVar variation 659716 (VCV000659716.8), dbSNP rs374650170, ClinGen allele CA7535581.

ClinVar aggregate classification (germline): Uncertain significance. Review status: criteria provided, multiple submitters, no conflicts (2 of 4 stars). 3 submissions from 3 submitters: Uncertain significance (3). Last evaluated 2023-12-26.

Conditions:
Inborn genetic diseases. Identifiers: MedGen C0950123, MeSH D030342.
Hereditary spastic paraplegia 11. Also called: Spastic Paraplegia 11; Spastic paraplegia, mental retardation and thin corpus callosum; Nakamura Osame syndrome; Autosomal recessive hereditary spastic paraplegia, mental impairment, and thin corpus callosum; SPASTIC PARAPLEGIA, AUTOSOMAL RECESSIVE, COMPLICATED, WITH THIN CORPUS CALLOSUM; SPASTIC PARAPLEGIA, AUTOSOMAL RECESSIVE, WITH MENTAL IMPAIRMENT AND THIN CORPUS CALLOSUM. Identifiers: Orphanet 2822, MedGen C1858479, MONDO:0011445, OMIM 604360.

Allele frequency attached by ClinVar (database versions not stated): gnomAD exomes below 0.00001; ExAC 0.00001; gnomAD 0.00002 and 0.00003; TOPMed 0.00005; ESP Exome Variant Server 0.00008.
gnomAD v4.1: 8 of 1,614,066 alleles (0.0005%); highest among the groups gnomAD compares: African/African-American, 0.004%; no homozygotes.

Submissions (3):

Ambry Genetics
Classification: Uncertain significance for Inborn genetic diseases. Last evaluated: 2023-12-26. Review status: criteria provided, single submitter. Criteria: Ambry Variant Classification Scheme 2023. Collection method: clinical testing. Allele origin: germline.

Labcorp Genetics (formerly Invitae), Labcorp
Classification: Uncertain significance for Hereditary spastic paraplegia 11. Last evaluated: 2023-11-15. Review status: criteria provided, single submitter. Criteria: Invitae Variant Classification Sherloc (09022015). Collection method: clinical testing. Allele origin: germline.
Comment: This sequence change replaces cysteine, which is neutral and slightly polar, with tyrosine, which is neutral and polar, at codon 429 of the SPG11 protein (p.Cys429Tyr). This variant is present in population databases (rs374650170, gnomAD 0.008%). This variant has not been reported in the literature in individuals affected with SPG11-related conditions. ClinVar contains an entry for this variant (Variation ID: 659716). Advanced modeling of protein sequence and biophysical properties (such as structural, functional, and spatial information, amino acid conservation, physicochemical variation, residue mobility, and thermodynamic stability) performed at Invitae indicates that this missense variant is expected to disrupt SPG11 protein function with a positive predictive value of 80%. In summary, the available evidence is currently insufficient to determine the role of this variant in disease. Therefore, it has been classified as a Variant of Uncertain Significance.

Blueprint Genetics
Classification: Uncertain significance. Last evaluated: 2023-01-18. Review status: criteria provided, single submitter. Criteria: ACMG Guidelines, 2015. Collection method: clinical testing. Allele origin: germline.